The following is an entry in ClinVar:

NM_001123385.2(BCOR):c.733C>A (p.Leu245Ile)

Genes: BCOR (BCL6 corepressor; minus strand), LOC126863239 (MED14-independent group 3 enhancer GRCh37_chrX:39932994-39934193; plus strand). Cytogenetic location: Xp11.4.
Variant type: single nucleotide variant.
Coding change: c.733C>A on transcript NM_001123385.2 (MANE Select); coding-DNA position 733, C replaced by A.
Protein change: p.Leu245Ile; replaces leucine 245 with isoleucine.
Molecular consequence: missense variant.
Genome position (GRCh38, 1-based): chrX:40,074,613, G>T on the plus strand (C>A on the coding strand, the complement: BCOR is on the minus strand). VCF-style: chrX-40074613-G-T. GRCh37 (hg19) VCF-style: chrX-39933866-G-T.
Other names: c.733C>A, p.Leu245Ile (NM_001123383.2, NM_001123384.2, NM_017745.6); short protein forms L245I.
Identifiers: ClinVar variation 1379273 (VCV001379273.6), dbSNP rs1935693973, ClinGen allele CA412748091.
Genomic context (GRCh38, chrX:40,074,613, plus strand): 5'-TGGGTGATGCCAAGGACGATGGGATGTGGGGACCGACGTAGTGAGGTGGCGGCAGGTAGA[G>T]AAAGCGCTCCCCATTGGTGCAGACTGGAGAATACAGCGGCTGGGCCAAGCTGTAGGACTG-3'
Protein context (NP_001116857.1, residues 235-255): SPVCTNGERF[Leu245Ile]YLPPPHYVGP

ClinVar aggregate classification (germline): Uncertain significance (1 of 4 stars; one submission).

Conditions:
Oculofaciocardiodental syndrome (MCOPS2). Identifiers: Orphanet 2712, MedGen C1846265, MONDO:0010261, OMIM 300166.

Allele frequency attached by ClinVar (database versions not stated): TOPMed 0.00001.

Submission:

Labcorp Genetics (formerly Invitae), Labcorp
Classification: Uncertain significance for Oculofaciocardiodental syndrome. Last evaluated: 2023-07-17. Review status: criteria provided, single submitter. Criteria: Invitae Variant Classification Sherloc (09022015). Collection method: clinical testing. Allele origin: germline.
Comment: An algorithm developed to predict the effect of missense changes on protein structure and function (PolyPhen-2) suggests that this variant is likely to be disruptive. In summary, the available evidence is currently insufficient to determine the role of this variant in disease. Therefore, it has been classified as a Variant of Uncertain Significance. ClinVar contains an entry for this variant (Variation ID: 1379273). This variant has not been reported in the literature in individuals affected with BCOR-related conditions. This variant is not present in population databases (gnomAD no frequency). This sequence change replaces leucine, which is neutral and non-polar, with isoleucine, which is neutral and non-polar, at codon 245 of the BCOR protein (p.Leu245Ile).